The following is an entry in ClinVar:

ClinVar aggregate classification (germline): Likely benign. Review status: criteria provided, multiple submitters, no conflicts (2 of 4 stars). 3 submissions from 3 submitters: Likely benign (3). Last evaluated 2023-09-20.

Allele frequency attached by ClinVar (database versions not stated): gnomAD exomes 0.00001 and 0.00007; gnomAD 0.00002 and 0.00003; TOPMed 0.00003; ExAC 0.00004; 1000 Genomes Project 30x 0.00016; 1000 Genomes Project 0.00020.
gnomAD v4.1: 18 of 1,612,454 alleles (0.0011%); highest among the groups gnomAD compares: East Asian, 0.038%; no homozygotes.

Submissions (3):

Labcorp Genetics (formerly Invitae), Labcorp
Classification: Likely benign. Last evaluated: 2023-09-20. Review status: criteria provided, single submitter. Criteria: Invitae Variant Classification Sherloc (09022015). Collection method: clinical testing. Allele origin: germline.

GeneDx
Classification: Likely benign. Last evaluated: 2021-01-18. Review status: criteria provided, single submitter. Criteria: GeneDx Variant Classification Process June 2021. Collection method: clinical testing. Allele origin: germline. Affected: yes.

Laboratory for Molecular Medicine, Mass General Brigham Personalized Medicine
Classification: Likely benign. Last evaluated: 2015-02-24. Review status: criteria provided, single submitter. Criteria: LMM Criteria. Collection method: clinical testing. Allele origin: germline. Observed: 1 variant allele.
Comment: p.Ala32Ala in exon 3 of TRIOBP: This variant is not expected to have clinical si gnificance because it does not alter an amino acid residue and is not located wi thin the splice consensus sequence. It has been identified in 4/7274 East Asian chromosomes by the Exome Aggregation Consortium (ExAC; dbSNP rs563986808).

NM_001039141.3(TRIOBP):c.96C>T (p.Ala32=)

Gene: TRIOBP (TRIO and F-actin binding protein; plus strand). Cytogenetic location: 22q13.1.
Variant type: single nucleotide variant.
Coding change: c.96C>T on transcript NM_001039141.3 (MANE Select); coding-DNA position 96, C replaced by T.
Protein change: p.Ala32=; no amino-acid change (alanine 32 retained).
Molecular consequence: synonymous variant.
Genome position (GRCh38, 1-based): chr22:37,701,461, C>T. VCF-style: chr22-37701461-C-T. GRCh37 (hg19) VCF-style: chr22-38097468-C-T.
Identifiers: ClinVar variation 228044 (VCV000228044.10), dbSNP rs563986808, ClinGen allele CA10223221.